The following is an entry in ClinVar:

NM_001009944.3(PKD1):c.8949-17_8949-7del

Gene: PKD1 (polycystin 1, transient receptor potential channel interacting; minus strand). Cytogenetic location: 16p13.3.
Variant type: Deletion.
Coding change: c.8949-17_8949-7del on transcript NM_001009944.3 (MANE Select); 17 bases into the intron before coding-DNA position 8949 through 7 bases into the intron before coding-DNA position 8949, 11 bases deleted (ACCCCTTCCCT).
Molecular consequence: intron variant.
Genome position (GRCh38, 1-based): chr16:2,102,640-2,102,650, AGGGAAGGGGT deleted on the plus strand (ACCCCTTCCCT on the coding strand, the reverse complement: PKD1 is on the minus strand); deleting any 11 consecutive bases within chr16:2,102,640-2,102,652 gives the same sequence; the c. name uses the placement nearest the transcript's 3' end. VCF-style (leftmost placement, unchanged base first): chr16-2102639-CAGGGAAGGGGT-C. GRCh37 (hg19) VCF-style: chr16-2152640-CAGGGAAGGGGT-C.
Other names: c.8949-17_8949-7del (NM_000296.4).
Identifiers: ClinVar variation 1327211 (VCV001327211.2), dbSNP rs2151750587, ClinGen allele CA2573054174.

ClinVar aggregate classification (germline): Uncertain significance (1 of 4 stars; one submission).

Submission:

GeneDx
Classification: Uncertain significance. Last evaluated: 2021-06-01. Review status: criteria provided, single submitter. Criteria: GeneDx Variant Classification Process June 2021. Collection method: clinical testing. Allele origin: germline. Affected: yes.
Comment: Not observed at significant frequency in large population cohorts (Lek et al., 2016); In-silico analysis, which includes splice predictors and evolutionary conservation, is inconclusive as to whether the variant alters gene splicing. In the absence of RNA/functional studies, the actual effect of this sequence change is unknown.; Has not been previously published as pathogenic or benign to our knowledge; This variant is associated with the following publications: (PMID: 27535533)